The following is an entry in ClinVar:

NM_001297.5(CNGB1):c.2665G>A (p.Gly889Arg)

Gene: CNGB1 (cyclic nucleotide gated channel subunit beta 1; minus strand). Cytogenetic location: 16q21.
Variant type: single nucleotide variant.
Coding change: c.2665G>A on transcript NM_001297.5 (MANE Select); coding-DNA position 2665, G replaced by A.
Protein change: p.Gly889Arg; replaces glycine 889 with arginine.
Molecular consequence: missense variant.
Genome position (GRCh38, 1-based): chr16:57,903,951, C>T on the plus strand (G>A on the coding strand, the complement: CNGB1 is on the minus strand). VCF-style: chr16-57903951-C-T. GRCh37 (hg19) VCF-style: chr16-57937855-C-T.
Other names: c.2665G>A (NM_001297.4); c.2647G>A, p.Gly883Arg (NM_001286130.2); short protein forms G883R, G889R.
Identifiers: ClinVar variation 1906650 (VCV001906650.4), dbSNP rs1330639102, ClinGen allele CA396058080.

ClinVar aggregate classification (germline): Uncertain significance. Review status: criteria provided, multiple submitters, no conflicts (2 of 4 stars). 3 submissions from 3 submitters: Uncertain significance (3). Last evaluated 2025-06-06.

Conditions:
Inborn genetic diseases. Identifiers: MedGen C0950123, MeSH D030342.

Allele frequency attached by ClinVar (database versions not stated): gnomAD exomes 0.00001; gnomAD 0.00002; TOPMed 0.00002.
gnomAD v4.1: 15 of 1,613,836 alleles (0.00093%); highest among the groups gnomAD compares: African/African-American, 0.0027%; no homozygotes.

Submissions (3):

Ambry Genetics
Classification: Uncertain significance for Inborn genetic diseases. Last evaluated: 2025-06-06. Review status: criteria provided, single submitter. Criteria: Ambry Variant Classification Scheme 2023. Collection method: clinical testing. Allele origin: germline.

Labcorp Genetics (formerly Invitae), Labcorp
Classification: Uncertain significance. Last evaluated: 2022-03-25. Review status: criteria provided, single submitter. Criteria: Invitae Variant Classification Sherloc (09022015). Collection method: clinical testing. Allele origin: germline.
Comment: This sequence change replaces glycine, which is neutral and non-polar, with arginine, which is basic and polar, at codon 889 of the CNGB1 protein (p.Gly889Arg). This variant is present in population databases (no rsID available, gnomAD 0.008%). This variant has not been reported in the literature in individuals affected with CNGB1-related conditions. Algorithms developed to predict the effect of missense changes on protein structure and function are either unavailable or do not agree on the potential impact of this missense change (SIFT: "Deleterious"; PolyPhen-2: "Benign"; Align-GVGD: "Class C0"). In summary, the available evidence is currently insufficient to determine the role of this variant in disease. Therefore, it has been classified as a Variant of Uncertain Significance.

Blueprint Genetics
Classification: Uncertain significance. Last evaluated: 2021-04-13. Review status: criteria provided, single submitter. Criteria: ACMG Guidelines, 2015. Collection method: clinical testing. Allele origin: germline.